The following is an entry in ClinVar:

ClinVar aggregate classification (germline): Likely benign (1 of 4 stars; one submission).

Submission:

CeGaT Center for Human Genetics Tuebingen
Classification: Likely benign. Last evaluated: 2024-06-01. Review status: criteria provided, single submitter. Criteria: CeGaT Center For Human Genetics Tuebingen Variant Classification Criteria Version 2. Collection method: clinical testing. Allele origin: germline. Affected: yes. Observed: 1 variant allele.
Comment: ZNF462: PM2:Supporting, BP4, BP7

NM_021224.6(ZNF462):c.6105T>C (p.Ala2035=)

Gene: ZNF462 (zinc finger protein 462; plus strand). Cytogenetic location: 9q31.2.
Variant type: single nucleotide variant.
Coding change: c.6105T>C on transcript NM_021224.6 (MANE Select); coding-DNA position 6105, T replaced by C.
Protein change: p.Ala2035=; no amino-acid change (alanine 2035 retained).
Molecular consequence: synonymous variant.
Genome position (GRCh38, 1-based): chr9:106,932,538, T>C. VCF-style: chr9-106932538-T-C. GRCh37 (hg19) VCF-style: chr9-109694819-T-C.
Other names: c.3510T>C, p.Ala1170= (NM_001347997.2).
Identifiers: ClinVar variation 3250844 (VCV003250844.18), dbSNP rs974037426.